The following is an entry in ClinVar:

ClinVar aggregate classification (germline): Likely benign (0 of 4 stars; one submission).

Conditions:
CTNNA2-related disorder. Also called: CTNNA2-related condition.

Allele frequency attached by ClinVar (database versions not stated): ExAC 0.00002; gnomAD 0.00003; TOPMed 0.00003; gnomAD exomes 0.00004.
gnomAD v4.1: 67 of 1,613,964 alleles (0.0042%); highest among the groups gnomAD compares: Middle Eastern, 0.033%; no homozygotes.

Submission:

PreventionGenetics, part of Exact Sciences
Classification: Likely benign for CTNNA2-related condition. Last evaluated: 2023-01-22. Review status: no assertion criteria provided. Collection method: clinical testing. Allele origin: germline.
Comment: This variant is classified as likely benign based on ACMG/AMP sequence variant interpretation guidelines (Richards et al. 2015 PMID: 25741868, with internal and published modifications).

NM_001282597.3(CTNNA2):c.702C>T (p.Ala234=)

Gene: CTNNA2 (catenin alpha 2; plus strand). Cytogenetic location: 2p12.
Variant type: single nucleotide variant.
Coding change: c.702C>T on transcript NM_001282597.3 (MANE Select); coding-DNA position 702, C replaced by T.
Protein change: p.Ala234=; no amino-acid change (alanine 234 retained).
Molecular consequence: synonymous variant.
Genome position (GRCh38, 1-based): chr2:79,874,192, C>T. VCF-style: chr2-79874192-C-T. GRCh37 (hg19) VCF-style: chr2-80101318-C-T.
Other names: c.702C>T, p.Ala234= (NM_001164883.2, NM_001399737.1, NM_004389.4); c.804C>T, p.Ala268= (NM_001282598.2).
Identifiers: ClinVar variation 3030572 (VCV003030572.2), dbSNP rs779761149, ClinGen allele CA1735106.